The following is an entry in ClinVar:

ClinVar aggregate classification (germline): Conflicting classifications of pathogenicity. Review status: criteria provided, conflicting classifications (1 of 4 stars). 4 submissions from 4 submitters: Uncertain significance (1); Benign (1); Likely benign (2). Last evaluated 2026-02-01.

Conditions:
Nemaline myopathy 2 (NEM2). Also called: Nemaline myopathy 2, autosomal recessive. Identifiers: MedGen C1850569, MONDO:0009725, OMIM 256030.

Allele frequency attached by ClinVar (database versions not stated): gnomAD exomes 0.00019 and 0.00043; ExAC 0.00042; 1000 Genomes Project 30x 0.00094; 1000 Genomes Project 0.00100; gnomAD 0.00172 and 0.00186; TOPMed 0.00195; ESP Exome Variant Server 0.00216.
gnomAD v4.1: 556 of 1,612,198 alleles (0.034%); highest among the groups gnomAD compares: African/African-American, 0.6%; 4 homozygotes.

Submissions (4):

Labcorp Genetics (formerly Invitae), Labcorp
Classification: Benign for Nemaline myopathy 2. Last evaluated: 2026-02-01. Review status: criteria provided, single submitter. Criteria: Invitae Variant Classification Sherloc (09022015). Collection method: clinical testing. Allele origin: germline.

Blueprint Genetics
Classification: Likely benign. Last evaluated: 2024-09-20. Review status: criteria provided, single submitter. Criteria: ACMG Guidelines, 2015. Collection method: clinical testing. Allele origin: germline.

Illumina Laboratory Services, Illumina
Classification: Uncertain significance for Nemaline myopathy 2. Last evaluated: 2018-01-13. Review status: criteria provided, single submitter. Criteria: ICSL Variant Classification Criteria 13 December 2019. Collection method: clinical testing. Allele origin: germline.

GeneDx
Classification: Likely benign. Last evaluated: 2017-09-28. Review status: criteria provided, single submitter. Criteria: GeneDx Variant Classification (06012015). Collection method: clinical testing. Allele origin: germline. Affected: yes.
Comment: This variant is considered likely benign or benign based on one or more of the following criteria: it is a conservative change, it occurs at a poorly conserved position in the protein, it is predicted to be benign by multiple in silico algorithms, and/or has population frequency not consistent with disease.

NM_001164508.2(NEB):c.11076+12A>G

Gene: NEB (nebulin; minus strand). Cytogenetic location: 2q23.3.
Variant type: single nucleotide variant.
Coding change: c.11076+12A>G on transcript NM_001164508.2 (MANE Select); 12 bases into the intron after coding-DNA position 11076, A replaced by G.
Molecular consequence: intron variant.
Genome position (GRCh38, 1-based): chr2:151,618,263, T>C on the plus strand (A>G on the coding strand, the complement: NEB is on the minus strand). VCF-style: chr2-151618263-T-C. GRCh37 (hg19) VCF-style: chr2-152474777-T-C.
Other names: c.10347+12A>G (NM_004543.5); c.11076+12A>G (NM_001164507.2, NM_001271208.2).
Identifiers: ClinVar variation 331476 (VCV000331476.13), dbSNP rs201250579, ClinGen allele CA1908884.